The following is an entry in ClinVar:

ClinVar aggregate classification (germline): Uncertain significance (1 of 4 stars; one submission).

Allele frequency attached by ClinVar (database versions not stated): gnomAD exomes below 0.00001; TOPMed 0.00001; gnomAD 0.00001.

Submission:

Labcorp Genetics (formerly Invitae), Labcorp
Classification: Uncertain significance. Last evaluated: 2022-12-20. Review status: criteria provided, single submitter. Criteria: Invitae Variant Classification Sherloc (09022015). Collection method: clinical testing. Allele origin: germline.
Comment: In summary, the available evidence is currently insufficient to determine the role of this variant in disease. Therefore, it has been classified as a Variant of Uncertain Significance. Algorithms developed to predict the effect of missense changes on protein structure and function are either unavailable or do not agree on the potential impact of this missense change (SIFT: "Deleterious"; PolyPhen-2: "Probably Damaging"; Align-GVGD: "Class C15"). This variant has not been reported in the literature in individuals affected with CTF1-related conditions. This variant is present in population databases (no rsID available, gnomAD 0.007%). This sequence change replaces phenylalanine, which is neutral and non-polar, with leucine, which is neutral and non-polar, at codon 61 of the CTF1 protein (p.Phe61Leu).

NM_001330.5(CTF1):c.183C>A (p.Phe61Leu)

Genes: CTF1 (cardiotrophin 1; plus strand), LOC130058878 (ATAC-STARR-seq lymphoblastoid silent region 7400; plus strand). Cytogenetic location: 16p11.2.
Variant type: single nucleotide variant.
Coding change: c.183C>A on transcript NM_001330.5 (MANE Select); coding-DNA position 183, C replaced by A.
Protein change: p.Phe61Leu; replaces phenylalanine 61 with leucine.
Molecular consequence: missense variant. On other transcripts: non-coding transcript variant (1).
Genome position (GRCh38, 1-based): chr16:30,902,116, C>A. VCF-style: chr16-30902116-C-A. GRCh37 (hg19) VCF-style: chr16-30913437-C-A.
Other names: c.180C>A, p.Phe60Leu (NM_001142544.3); short protein forms F60L, F61L.
Identifiers: ClinVar variation 2727359 (VCV002727359.3), dbSNP rs899947353, ClinGen allele CA280531180.
Genomic context (GRCh38, chr16:30,902,116, plus strand): 5'-CCCGCCGGCCGTGTCTCCGCAGGTGCAGCTCCAGGGAGACCCCTTCGGGCTGCCCAGCTT[C>A]TCGCCGCCGCGGCTGCCGGTGGCCGGCCTGAGCGCCCCGGCTCCGAGCCACGCGGGGCTG-3'
Protein context (NP_001321.1, residues 51-71): LQGDPFGLPS[Phe61Leu]SPPRLPVAGL